The following is an entry in ClinVar:

NM_017739.4(POMGNT1):c.878del (p.Pro293fs)

Genes: POMGNT1 (protein O-linked mannose N-acetylglucosaminyltransferase 1 (beta 1,2-); minus strand), TSPAN1 (tetraspanin 1; plus strand). Cytogenetic location: 1p34.1.
Variant type: Deletion.
Coding change: c.878del on transcript NM_017739.4 (MANE Select); coding-DNA position 878, one base deleted (C; older notation c.878delC).
Protein change: p.Pro293fs; shifts the reading frame from proline 293.
Molecular consequence: frameshift variant.
Genome position (GRCh38, 1-based): chr1:46,194,275, G deleted on the plus strand (C on the coding strand, the reverse complement: POMGNT1 is on the minus strand); the first of 3 consecutive G bases (chr1:46,194,275-46,194,277); deleting any one gives the same sequence. VCF-style (leftmost placement, unchanged base first): chr1-46194274-TG-T. GRCh37 (hg19) VCF-style: chr1-46659946-TG-T.
Other names: NM_017739.4(POMGNT1):c.878del; p.Pro293fs; c.878del, p.Pro293fs (NM_001243766.2, NM_001410783.1); c.810delC, p.Pro271Hisfs (NM_001290129.3); c.449del, p.Pro150fs (NM_001290130.2); short protein forms P150fs, P271fs, P293fs.
Identifiers: ClinVar variation 1323487 (VCV001323487.8), dbSNP rs752389406, ClinGen allele CA833589.

ClinVar aggregate classification (germline): Pathogenic/Likely pathogenic. Review status: criteria provided, multiple submitters, no conflicts (2 of 4 stars). 5 submissions from 5 submitters: Pathogenic (3); Likely pathogenic (2). Last evaluated 2026-07-14.

Conditions:
Fetal anomalies with a likely genetic cause.
Myopathy caused by variation in POMGNT1. Identifiers: MedGen CN305639, MONDO:0700068.
Muscular dystrophy-dystroglycanopathy. Also called: Congenital muscular dystrophy due to dystroglycanopathy. Identifiers: Orphanet 370953, MedGen C5679911, MONDO:0018276.
Muscle eye brain disease (MEB). Also called: Santavuori congenital muscular dystrophy. Identifiers: Orphanet 588, Orphanet 899, MedGen C0457133, MONDO:0018939.

Submissions (5):

Genetics Laboratory, Great Ormond Street Hospital NHS Foundation Trust, North Thames Genomic Laboratory Hub
Classification: Pathogenic for Fetal anomalies with a likely genetic cause. Last evaluated: 2026-07-14. Review status: criteria provided, single submitter. Criteria: ACGS Best Practice Guidelines for Variant Classification in Rare Disease 2024 v1.2. Collection method: clinical testing. Allele origin: germline. Affected: yes.
Comment: PM2_moderate, PVS1_very-strong

Natera, Inc.
Classification: Likely pathogenic for Muscle-eye-brain disease. Last evaluated: 2025-07-24. Review status: criteria provided, single submitter. Criteria: Natera Variant Classification Schema (03/2026). Collection method: clinical testing. Allele origin: germline.
Comment: The c.878del variant in POMGNT1 is a frameshift variant predicted to shift the reading frame beginning at codon 293 and leads to a stop codon 40 codons downstream. This variant is expected to result in nonsense mediated decay, truncation, or a dysfunctional protein product. This variant is rare in the general population with a frequency below the threshold expected for the associated phenotype(s). Given the available evidence, this variant is classified as Likely Pathogenic.

Myriad Genetics, Inc.
Classification: Pathogenic for Myopathy caused by variation in POMGNT1. Last evaluated: 2023-09-08. Review status: criteria provided, single submitter. Criteria: Myriad Autosomal Dominant, Autosomal Recessive and X-Linked Classification Criteria (2023). Collection method: clinical testing. Allele origin: unknown.
Comment: NM_017739.3(POMGNT1):c.878delC(P293Hfs*40) is expected to be pathogenic in the context of POMGNT1-related disorders. This variant is predicted to lead to an abnormal or absent protein product due to the creation of a premature termination codon in POMGNT1, a gene where loss-of-function variants are known to be pathogenic. Please note: this variant was assessed in the context of healthy population screening.

Broad Center for Mendelian Genomics, Broad Institute of MIT and Harvard
Classification: Likely pathogenic for Muscular dystrophy-dystroglycanopathy. Last evaluated: 2023-01-24. Review status: criteria provided, single submitter. Criteria: ACMG Guidelines, 2015. Collection method: curation. Allele origin: germline. Inheritance: Autosomal recessive inheritance.
Comment: The p.Pro293fs variant in POMGNT1 has not been previously reported in the literature in individuals with POMGNT1-associated muscular dystrophy-dystroglycanopathy but has been identified in 0.003266% (1/30616) of South Asian chromosomes by the Genome Aggregation Database (gnomAD; dbSNP ID: rs776248221). Although this variant has been seen in the general population in a heterozygous state, its frequency is low enough to be consistent with a recessive carrier frequency. This variant has also been reported in ClinVar (Variation ID#: 1323487) and has been interpreted as pathogenic by PerkinElmer Genomics. This frameshift variant leads to a premature termination codon at amino acid position 333 which is predicted to lead to a truncated or absent protein.Loss of function of the POMGNT1 gene is an established disease mechanism in autosomal recessive POMGNT1-associated muscular dystrophy-dystroglycanopathy. In summary, although additional studies are required to fully establish its clinical significance, this variant is likely pathogenic for POMGNT1-associated muscular dystrophy-dystroglycanopathy. ACMG/AMP Criteria applied: PVS1, PM2 (Richards 2015).

Revvity Omics, Revvity
Classification: Pathogenic. Last evaluated: 2019-12-26. Review status: criteria provided, single submitter. Criteria: ACMG Guidelines, 2015. Collection method: clinical testing. Allele origin: germline.